The following is an entry in ClinVar:

ClinVar aggregate classification (germline): Benign (1 of 4 stars; one submission).

gnomAD v4.1: 286 of 233,594 alleles (0.12%); highest among the groups gnomAD compares: African/African-American, 0.58%; no homozygotes.

Submissions (3):

Dasa
Classification: Benign. Last evaluated: 2025-12-18. Review status: criteria provided, single submitter. Criteria: DASA Assertion Criteria. Collection method: clinical testing. Allele origin: germline.
Comment: NM_177438.3(DICER1):c.*1609T>G is interpreted as benign based on a combination of available evidence, including population frequency, and the mechanism of disease or impacted region being inconsistent with a known cause of pathogenicity. Based on the available data, this variant is classified as benign.

Dr. Peter K. Rogan Lab, Western University
No classification provided (evidence only). Condition: Familial cancer of breast. Review status: no classification provided. Collection method: in vitro. Allele origin: not applicable. Functional consequence: retained intron. Not counted in ClinVar's aggregate classification.

Dr. Peter K. Rogan Lab, Western University
No classification provided (evidence only). Condition: Sarcoma. Review status: no classification provided. Collection method: in vitro. Allele origin: not applicable. Functional consequence: retained intron. Not counted in ClinVar's aggregate classification.

NM_177438.3(DICER1):c.*1609T>G

Gene: DICER1 (dicer 1, ribonuclease III; minus strand). Cytogenetic location: 14q32.13.
Variant type: single nucleotide variant.
Coding change: c.*1609T>G on transcript NM_177438.3 (MANE Select); 1609 bases downstream of the stop codon, T replaced by G.
Molecular consequence: 3 prime UTR variant. On other transcripts: non-coding transcript variant (6).
Genome position (GRCh38, 1-based): chr14:95,088,889, A>C on the plus strand (T>G on the coding strand, the complement: DICER1 is on the minus strand). VCF-style: chr14-95088889-A-C. GRCh37 (hg19) VCF-style: chr14-95555226-A-C.
Other names: NC_000014.8:g.95555226A>C; c.*1609T>G (NM_001395689.1, NM_001395690.1, NM_001395691.1 and 14 more transcripts); c.*1725T>G (NM_001195573.1).
Identifiers: ClinVar variation 4400491 (VCV004400491.2).